The following is an entry in ClinVar:

NM_014000.3(VCL):c.2825C>T (p.Pro942Leu)

Gene: VCL (vinculin; plus strand). Cytogenetic location: 10q22.2.
Variant type: single nucleotide variant.
Coding change: c.2825C>T on transcript NM_014000.3 (MANE Select); coding-DNA position 2825, C replaced by T.
Protein change: p.Pro942Leu; replaces proline 942 with leucine.
Molecular consequence: missense variant. On other transcripts: intron variant (1).
Genome position (GRCh38, 1-based): chr10:74,111,988, C>T. VCF-style: chr10-74111988-C-T. GRCh37 (hg19) VCF-style: chr10-75871746-C-T.
Other names: c.2746-2196C>T (NM_003373.4); short protein forms P942L.
Identifiers: ClinVar variation 4538920 (VCV004538920.1).
Genomic context (GRCh38, chr10:74,111,988, plus strand): 5'-AGGTGGGTATAGGTGTTGTAGCTGAGGCAGATGCGGCCGATGCTGCTGGCTTCCCTGTCC[C>T]CCCTGACATGGAAGACGATTACGAACCTGAGCTGCTGTTAATGCCATCCAATCAGCCGGT-3'
Protein context (NP_054706.1, residues 932-952): DAADAAGFPV[Pro942Leu]PDMEDDYEPE

ClinVar aggregate classification (germline): Uncertain significance (1 of 4 stars; one submission).

Submission:

GeneDx
Classification: Uncertain significance. Last evaluated: 2025-06-17. Review status: criteria provided, single submitter. Criteria: GeneDx Variant Classification Process June 2021. Collection method: clinical testing. Allele origin: germline. Affected: yes.
Comment: Not observed at significant frequency in large population cohorts (gnomAD); In silico analysis suggests that this missense variant does not alter protein structure/function; Has not been previously published as pathogenic or benign to our knowledge